The following is an entry in ClinVar:

NM_000075.4(CDK4):c.779T>C (p.Val260Ala)

Genes: TSPAN31 (tetraspanin 31; plus strand), CDK4 (cyclin dependent kinase 4; minus strand). Cytogenetic location: 12q14.1.
Variant type: single nucleotide variant.
Coding change: c.779T>C on transcript NM_000075.4 (MANE Select); coding-DNA position 779, T replaced by C.
Protein change: p.Val260Ala; replaces valine 260 with alanine.
Molecular consequence: missense variant. On other transcripts: 3 prime UTR variant (3).
Genome position (GRCh38, 1-based): chr12:57,749,222, A>G on the plus strand (T>C on the coding strand, the complement: CDK4 is on the minus strand). VCF-style: chr12-57749222-A-G. GRCh37 (hg19) VCF-style: chr12-58143005-A-G.
Other names: c.*1932A>G (NM_001330168.2, NM_001330169.2, NM_005981.5); short protein forms V260A.
Identifiers: ClinVar variation 3230244 (VCV003230244.1), dbSNP rs200215596, ClinGen allele CA385543178.
Genomic context (GRCh38, chr12:57,749,222, plus strand): 5'-CCCACAGCCATCTCCAGTACCAGCAGCAGCTGTGCTCCCGACTCCTCCATCTCAGGTACC[A>G]CCGACTGCACTGGGCGGGGCCCTCTGGGGGGAAAGGCTCCACGGGGCAGGGATACATCTC-3'
Protein context (NP_000066.1, residues 250-270): PPRGPRPVQS[Val260Ala]VPEMEESGAQ

ClinVar aggregate classification (germline): Uncertain significance (1 of 4 stars; one submission).

Conditions:
Hereditary cancer-predisposing syndrome. Also called: Neoplastic Syndromes, Hereditary; Tumor predisposition; Hereditary neoplastic syndrome; Hereditary Cancer Syndrome. Identifiers: Orphanet 140162, MedGen C0027672, MeSH D009386, MONDO:0015356.

Submission:

Ambry Genetics
Classification: Uncertain significance for Hereditary cancer-predisposing syndrome. Last evaluated: 2023-12-05. Review status: criteria provided, single submitter. Criteria: Ambry Variant Classification Scheme 2023. Collection method: clinical testing. Allele origin: germline.
Comment: The p.V260A variant (also known as c.779T>C), located in coding exon 6 of the CDK4 gene, results from a T to C substitution at nucleotide position 779. The valine at codon 260 is replaced by alanine, an amino acid with similar properties. This amino acid position is not well conserved in available vertebrate species. In addition, this alteration is predicted to be tolerated by in silico analysis. Since supporting evidence is limited at this time, the clinical significance of this alteration remains unclear.